The following is an entry in ClinVar:

ClinVar aggregate classification (germline): Uncertain significance (1 of 4 stars; one submission).

Allele frequency attached by ClinVar (database versions not stated): gnomAD exomes below 0.00001.
gnomAD v4.1: 2 of 1,614,184 alleles (0.00012%); highest among the groups gnomAD compares: Admixed American, 0.0017%; no homozygotes.

Submission:

Labcorp Genetics (formerly Invitae), Labcorp
Classification: Uncertain significance. Last evaluated: 2024-11-11. Review status: criteria provided, single submitter. Criteria: Invitae Variant Classification Sherloc (09022015). Collection method: clinical testing. Allele origin: germline.
Comment: This sequence change replaces valine, which is neutral and non-polar, with isoleucine, which is neutral and non-polar, at codon 488 of the EIF2B5 protein (p.Val488Ile). This variant is present in population databases (no rsID available, gnomAD 0.003%). This variant has not been reported in the literature in individuals affected with EIF2B5-related conditions. ClinVar contains an entry for this variant (Variation ID: 1989543). Invitae Evidence Modeling of protein sequence and biophysical properties (such as structural, functional, and spatial information, amino acid conservation, physicochemical variation, residue mobility, and thermodynamic stability) indicates that this missense variant is not expected to disrupt EIF2B5 protein function with a negative predictive value of 80%. In summary, the available evidence is currently insufficient to determine the role of this variant in disease. Therefore, it has been classified as a Variant of Uncertain Significance.

NM_003907.3(EIF2B5):c.1462G>A (p.Val488Ile)

Gene: EIF2B5 (eukaryotic translation initiation factor 2B subunit epsilon; plus strand). Cytogenetic location: 3q27.1.
Variant type: single nucleotide variant.
Coding change: c.1462G>A on transcript NM_003907.3 (MANE Select); coding-DNA position 1462, G replaced by A.
Protein change: p.Val488Ile; replaces valine 488 with isoleucine.
Molecular consequence: missense variant.
Genome position (GRCh38, 1-based): chr3:184,142,519, G>A. VCF-style: chr3-184142519-G-A. GRCh37 (hg19) VCF-style: chr3-183860307-G-A.
Other names: short protein forms V488I.
Identifiers: ClinVar variation 1989543 (VCV001989543.4), dbSNP rs1212290706, ClinGen allele CA355390718.